The following is an entry in ClinVar:

NM_000091.5(COL4A3):c.4748T>G (p.Phe1583Cys)

Genes: COL4A3 (collagen type IV alpha 3 chain; plus strand), MFF-DT (MFF divergent transcript; minus strand). Cytogenetic location: 2q36.3.
Variant type: single nucleotide variant.
Coding change: c.4748T>G on transcript NM_000091.5 (MANE Select); coding-DNA position 4748, T replaced by G.
Protein change: p.Phe1583Cys; replaces phenylalanine 1583 with cysteine.
Molecular consequence: missense variant.
Genome position (GRCh38, 1-based): chr2:227,309,311, T>G. VCF-style: chr2-227309311-T-G. GRCh37 (hg19) VCF-style: chr2-228174027-T-G.
Other names: short protein forms F1583C.
Identifiers: ClinVar variation 4077064 (VCV004077064.1).

ClinVar aggregate classification (germline): Uncertain significance (1 of 4 stars; one submission).

Conditions:
Autosomal dominant Alport syndrome (ATS3A). Also called: ALPORT SYNDROME 3A, AUTOSOMAL DOMINANT; Alport syndrome dominant type; Renal failure and sensorineural hearing loss. Identifiers: Orphanet 63, Orphanet 88918, MedGen C5882663, MONDO:0007086, OMIM 104200.

Submission:

MVZ Medizinische Genetik Mainz
Classification: Uncertain significance for Autosomal dominant Alport syndrome. Last evaluated: 2025-07-22. Review status: criteria provided, single submitter. Criteria: UK Practice Guidelines For Variant Classification V4 01 2020. Collection method: clinical testing. Allele origin: germline. Inheritance: Autosomal dominant inheritance. Affected: yes. Observed: 1 variant allele.
Comment: ACMG Criteria: PP3_STR,PM2_SUP